The following is an entry in ClinVar:

ClinVar aggregate classification (germline): Benign (1 of 4 stars; one submission).

Submission:

Unidad de Genómica Garrahan, Hospital de Pediatría Garrahan
Classification: Benign. Last evaluated: 2023-11-12. Review status: criteria provided, single submitter. Criteria: ACMG Guidelines, 2015. Collection method: clinical testing. Allele origin: germline. Affected: no. Observed: 57 variant alleles.
Comment: This variant is classified as Benign based on local population frequency. This variant was detected in 59% of patients studied by a panel of primary immunodeficiencies. Number of patients: 57. Only high quality variants are reported.

NM_001243133.2(NLRP3):c.2322-41_2322-40insAT

Gene: NLRP3 (NLR family pyrin domain containing 3; plus strand). Cytogenetic location: 1q44.
Variant type: Insertion.
Coding change: c.2322-41_2322-40insAT on transcript NM_001243133.2 (MANE Select); 41 bases into the intron before coding-DNA position 2322 through 40 bases into the intron before coding-DNA position 2322, AT inserted.
Molecular consequence: intron variant.
Genome position: GRCh38 VCF-style: chr1-247434062-G-GAT. GRCh37 (hg19) VCF-style: chr1-247597364-G-GAT.
Other names: c.2328-41_2328-40insAT (NM_004895.5); c.2322-41_2322-40insAT (NM_001127461.3, NM_001079821.3); c.2151-41_2151-40insAT (NM_001127462.3, NM_183395.3).
Identifiers: ClinVar variation 2628144 (VCV002628144.2), dbSNP rs772851137, ClinGen allele CA1495194.
Genomic context (GRCh38, chr1:247,434,062, plus strand): 5'-TCCGGAGCTTCCTGATCAGGTGTGTCCTGATGCTTCCTCTGTTCTGGAGCTCTCTGGTCA[G>GAT]GTGTGTTCTGATGCTTTCTGCCTCTGTTCTTGGCATGAAGGTTGGGGCGCTGTGGCCTCT-3'